The following is an entry in ClinVar:

ClinVar aggregate classification (germline): Uncertain significance. Review status: criteria provided, multiple submitters, no conflicts (2 of 4 stars). 2 submissions from 2 submitters: Uncertain significance (2). Last evaluated 2025-10-27.

Conditions:
SUCLG2-related disorder. Also called: SUCLG2-related condition.

gnomAD v4.1: 47 of 1,510,132 alleles (0.0031%); highest among the groups gnomAD compares: Admixed American, 0.0084%; 1 homozygote.

Submissions (2):

Labcorp Genetics (formerly Invitae), Labcorp
Classification: Uncertain significance. Last evaluated: 2025-10-27. Review status: criteria provided, single submitter. Criteria: Invitae Variant Classification Sherloc (09022015). Collection method: clinical testing. Allele origin: germline.
Comment: This sequence change replaces isoleucine, which is neutral and non-polar, with threonine, which is neutral and polar, at codon 437 of the SUCLG2 protein (p.Ile437Thr). This variant is present in population databases (rs751950844, gnomAD 0.01%). This variant has not been reported in the literature in individuals affected with SUCLG2-related conditions. ClinVar contains an entry for this variant (Variation ID: 3671429). An algorithm developed to predict the effect of missense changes on protein structure and function (PolyPhen-2) suggests that this variant is likely to be tolerated. In summary, the available evidence is currently insufficient to determine the role of this variant in disease. Therefore, it has been classified as a Variant of Uncertain Significance.

PreventionGenetics, part of Exact Sciences
Classification: Uncertain significance for SUCLG2-related condition. Last evaluated: 2025-03-06. Review status: criteria provided, single submitter. Criteria: ACMG Guidelines, 2015. Collection method: clinical testing. Allele origin: germline.
Comment: The SUCLG2 c.1310T>C variant is predicted to result in the amino acid substitution p.Ile437Thr. To our knowledge, this variant has not been reported in the literature. This variant is reported in 0.020% of alleles in individuals of East Asian descent in gnomAD. At this time, the clinical significance of this variant is uncertain due to the absence of conclusive functional and genetic evidence.

NM_001177599.2(SUCLG2):c.1310T>C (p.Ile437Thr)

Gene: SUCLG2 (succinate-CoA ligase GDP-forming subunit beta; minus strand). Cytogenetic location: 3p14.1.
Variant type: single nucleotide variant.
Coding change: c.1310T>C on transcript NM_001177599.2; coding-DNA position 1310, T replaced by C.
Protein change: p.Ile437Thr; replaces isoleucine 437 with threonine.
Molecular consequence: missense variant.
Genome position (GRCh38, 1-based): chr3:67,360,642, A>G on the plus strand (T>C on the coding strand, the complement: SUCLG2 is on the minus strand). VCF-style: chr3-67360642-A-G. GRCh37 (hg19) VCF-style: chr3-67411066-A-G.
Other names: short protein forms I437T.
Identifiers: ClinVar variation 3671429 (VCV003671429.3).